The following is an entry in ClinVar:

NM_212482.4(FN1):c.790G>T (p.Gly264Cys)

Gene: FN1 (fibronectin 1; minus strand). Cytogenetic location: 2q35.
Variant type: single nucleotide variant.
Coding change: c.790G>T on transcript NM_212482.4 (MANE Select); coding-DNA position 790, G replaced by T.
Protein change: p.Gly264Cys; replaces glycine 264 with cysteine.
Molecular consequence: missense variant.
Genome position (GRCh38, 1-based): chr2:215,428,234, C>A on the plus strand (G>T on the coding strand, the complement: FN1 is on the minus strand). VCF-style: chr2-215428234-C-A. GRCh37 (hg19) VCF-style: chr2-216292957-C-A.
Other names: c.790G>T (NM_212482.3); c.790G>T, p.Gly264Cys (NM_001306129.2, NM_001306130.2, NM_001306131.2 and 14 more transcripts); short protein forms G264C.
Identifiers: ClinVar variation 1970134 (VCV001970134.6), dbSNP rs950443871, ClinGen allele CA350473797.

ClinVar aggregate classification (germline): Uncertain significance. Review status: criteria provided, multiple submitters, no conflicts (2 of 4 stars). 2 submissions from 2 submitters: Uncertain significance (2). Last evaluated 2025-05-20.

Submissions (2):

Revvity Omics, Revvity
Classification: Uncertain significance. Last evaluated: 2025-05-20. Review status: criteria provided, single submitter. Criteria: ACMG Guidelines, 2015. Collection method: clinical testing. Allele origin: germline.

Labcorp Genetics (formerly Invitae), Labcorp
Classification: Uncertain significance. Last evaluated: 2022-10-22. Review status: criteria provided, single submitter. Criteria: Invitae Variant Classification Sherloc (09022015). Collection method: clinical testing. Allele origin: germline.
Comment: This sequence change replaces glycine, which is neutral and non-polar, with cysteine, which is neutral and slightly polar, at codon 264 of the FN1 protein (p.Gly264Cys). This variant is not present in population databases (gnomAD no frequency). This variant has not been reported in the literature in individuals affected with FN1-related conditions. Advanced modeling of protein sequence and biophysical properties (such as structural, functional, and spatial information, amino acid conservation, physicochemical variation, residue mobility, and thermodynamic stability) performed at Invitae indicates that this missense variant is expected to disrupt FN1 protein function. In summary, the available evidence is currently insufficient to determine the role of this variant in disease. Therefore, it has been classified as a Variant of Uncertain Significance.